The following is an entry in ClinVar:

NM_001273.5(CHD4):c.3280G>A (p.Glu1094Lys)

Gene: CHD4 (chromodomain helicase DNA binding protein 4; minus strand). Cytogenetic location: 12p13.31.
Variant type: single nucleotide variant.
Coding change: c.3280G>A on transcript NM_001273.5 (MANE Select); coding-DNA position 3280, G replaced by A.
Protein change: p.Glu1094Lys; replaces glutamic acid 1094 with lysine.
Molecular consequence: missense variant.
Genome position (GRCh38, 1-based): chr12:6,591,526, C>T on the plus strand (G>A on the coding strand, the complement: CHD4 is on the minus strand). VCF-style: chr12-6591526-C-T. GRCh37 (hg19) VCF-style: chr12-6700692-C-T.
Other names: c.3259G>A, p.Glu1087Lys (NM_001297553.2); c.3241G>A, p.Glu1081Lys (NM_001363606.2); short protein forms E1081K, E1087K, E1094K.
Identifiers: ClinVar variation 975671 (VCV000975671.6), dbSNP rs2540395943, ClinGen allele CA383585079.

ClinVar aggregate classification (germline): Pathogenic. Review status: criteria provided, multiple submitters, no conflicts (2 of 4 stars). 3 submissions from 3 submitters: Pathogenic (2). 1 of the submissions does not count toward it. Last evaluated 2025-11-21.

Conditions:
Sifrim-Hitz-Weiss syndrome (SIHIWES). Also called: SIFRIM-HITZ-WEISS MULTIPLE CONGENITAL ANOMALIES-MENTAL RETARDATION SYNDROME; CHD4 Neurodevelopmental Disorder. Identifiers: Orphanet 653712, MedGen C4310688, MONDO:0014946, OMIM 617159.

Submissions (3):

GeneDx
Classification: Pathogenic. Last evaluated: 2025-11-21. Review status: criteria provided, single submitter. Criteria: GeneDx Variant Classification Process June 2021. Collection method: clinical testing. Allele origin: germline. Affected: yes.
Comment: Not observed at significant frequency in large population cohorts (gnomAD); In silico analysis supports that this missense variant has a deleterious effect on protein structure/function; This variant is associated with the following publications: (PMID: 34828433, 39824190, 31388190)

Laboratoire de Génétique Moléculaire, CHU Bordeaux
Classification: Pathogenic. Review status: criteria provided, single submitter. Criteria: ACMG Guidelines, 2015. Collection method: clinical testing. Allele origin: germline. Affected: yes.

Centre de Biologie Pathologie Génétique, Centre Hospitalier Universitaire de Lille
Classification: Likely pathogenic for Sifrim-Hitz-Weiss syndrome. Last evaluated: 2019-01-01. Review status: no assertion criteria provided. Collection method: clinical testing. Allele origin: unknown. Affected: yes. Not counted in ClinVar's aggregate classification.